The following is an entry in ClinVar:

ClinVar aggregate classification (germline): Uncertain significance (1 of 4 stars; one submission).

gnomAD v4.1: 4 of 1,542,812 alleles (0.00026%); highest among the groups gnomAD compares: Admixed American, 0.0018%; no homozygotes.

Submission:

Labcorp Genetics (formerly Invitae), Labcorp
Classification: Uncertain significance. Last evaluated: 2024-01-02. Review status: criteria provided, single submitter. Criteria: Invitae Variant Classification Sherloc (09022015). Collection method: clinical testing. Allele origin: germline.
Comment: This sequence change replaces glycine, which is neutral and non-polar, with arginine, which is basic and polar, at codon 862 of the FOCAD protein (p.Gly862Arg). This variant is not present in population databases (gnomAD no frequency). This variant has not been reported in the literature in individuals affected with FOCAD-related conditions. Experimental studies and prediction algorithms are not available or were not evaluated, and the functional significance of this variant is currently unknown. In summary, the available evidence is currently insufficient to determine the role of this variant in disease. Therefore, it has been classified as a Variant of Uncertain Significance.

NM_001375567.1(FOCAD):c.2584G>C (p.Gly862Arg)

Gene: FOCAD (focadhesin; plus strand). Cytogenetic location: 9p21.3.
Variant type: single nucleotide variant.
Coding change: c.2584G>C on transcript NM_001375567.1 (MANE Select); coding-DNA position 2584, G replaced by C.
Protein change: p.Gly862Arg; replaces glycine 862 with arginine.
Molecular consequence: missense variant.
Genome position (GRCh38, 1-based): chr9:20,885,189, G>C. VCF-style: chr9-20885189-G-C. GRCh37 (hg19) VCF-style: chr9-20885188-G-C.
Other names: c.2479G>C, p.Gly827Arg (NM_001375568.1, NM_001375570.1); c.2584G>C, p.Gly862Arg (NM_017794.5); short protein forms G827R, G862R.
Identifiers: ClinVar variation 2706314 (VCV002706314.3), dbSNP rs1463005640, ClinGen allele CA373051981.